The following is an entry in ClinVar:

NM_198578.4(LRRK2):c.343C>T (p.His115Tyr)

Gene: LRRK2 (leucine rich repeat kinase 2; plus strand). Cytogenetic location: 12q12.
Variant type: single nucleotide variant.
Coding change: c.343C>T on transcript NM_198578.4 (MANE Select); coding-DNA position 343, C replaced by T.
Protein change: p.His115Tyr; replaces histidine 115 with tyrosine.
Molecular consequence: missense variant.
Genome position (GRCh38, 1-based): chr12:40,232,379, C>T. VCF-style: chr12-40232379-C-T. GRCh37 (hg19) VCF-style: chr12-40626181-C-T.
Other names: short protein forms H115Y.
Identifiers: ClinVar variation 1731454 (VCV001731454.2), dbSNP rs2499382067, ClinGen allele CA384401765.
Genomic context (GRCh38, chr12:40,232,379, plus strand): 5'-ACAATGCAAAGCTTAATGGGACCCCAGGATGTTGGAAATGATTGGGAAGTCCTTGGTGTT[C>T]ACCAGTAAGTATGATAGATATGTAAAACAAATGGCCTTGAGTATTTATTTGTACACATGA-3'
Protein context (NP_940980.4, residues 105-125): VGNDWEVLGV[His115Tyr]QLILKMLTVH

ClinVar aggregate classification (germline): Uncertain significance (1 of 4 stars; one submission).

Conditions:
Inborn genetic diseases. Identifiers: MedGen C0950123, MeSH D030342.

Allele frequency attached by ClinVar (database versions not stated): gnomAD exomes below 0.00001.
gnomAD v4.1: 3 of 1,609,156 alleles (0.00019%); highest among the groups gnomAD compares: Middle Eastern, 0.033%; no homozygotes.

Submission:

Ambry Genetics
Classification: Uncertain significance for Inborn genetic diseases. Last evaluated: 2023-12-29. Review status: criteria provided, single submitter. Criteria: Ambry Variant Classification Scheme 2023. Collection method: clinical testing. Allele origin: germline.
Comment: The p.H115Y variant (also known as c.343C>T), located in coding exon 3 of the LRRK2 gene, results from a C to T substitution at nucleotide position 343. The histidine at codon 115 is replaced by tyrosine, an amino acid with similar properties. This amino acid position is conserved. In addition, this alteration is predicted to be deleterious by in silico analysis. Since supporting evidence is limited at this time, the clinical significance of this alteration remains unclear.